The following is an entry in ClinVar:

NM_001365999.1(SZT2):c.5619C>G (p.Ser1873Arg)

Gene: SZT2 (SZT2 subunit of KICSTOR complex; plus strand). Cytogenetic location: 1p34.2.
Variant type: single nucleotide variant.
Coding change: c.5619C>G on transcript NM_001365999.1 (MANE Select); coding-DNA position 5619, C replaced by G.
Protein change: p.Ser1873Arg; replaces serine 1873 with arginine.
Molecular consequence: missense variant.
Genome position (GRCh38, 1-based): chr1:43,433,005, C>G. VCF-style: chr1-43433005-C-G. GRCh37 (hg19) VCF-style: chr1-43898676-C-G.
Other names: c.5448C>G, p.Ser1816Arg (NM_015284.4); short protein forms S1816R, S1873R.
Identifiers: ClinVar variation 1059665 (VCV001059665.9), dbSNP rs2153934274, ClinGen allele CA340025914.

ClinVar aggregate classification (germline): Uncertain significance (1 of 4 stars; one submission).

Submission:

Labcorp Genetics (formerly Invitae), Labcorp
Classification: Uncertain significance. Last evaluated: 2020-12-03. Review status: criteria provided, single submitter. Criteria: Invitae Variant Classification Sherloc (09022015). Collection method: clinical testing. Allele origin: germline.
Comment: This sequence change replaces serine with arginine at codon 1816 of the SZT2 protein (p.Ser1816Arg). The serine residue is highly conserved and there is a moderate physicochemical difference between serine and arginine. In summary, the available evidence is currently insufficient to determine the role of this variant in disease. Therefore, it has been classified as a Variant of Uncertain Significance. Algorithms developed to predict the effect of missense changes on protein structure and function are either unavailable or do not agree on the potential impact of this missense change (SIFT: "Deleterious"; PolyPhen-2: "Possibly Damaging"; Align-GVGD: "Class C0"). This variant has not been reported in the literature in individuals with SZT2-related conditions. This variant is not present in population databases (ExAC no frequency).